The following is an entry in ClinVar:

NM_003055.3(SLC18A3):c.1116C>A (p.Cys372Ter)

Genes: CHAT (choline O-acetyltransferase; plus strand), SLC18A3 (solute carrier family 18 member A3; plus strand). Cytogenetic location: 10q11.23.
Variant type: single nucleotide variant.
Coding change: c.1116C>A on transcript NM_003055.3 (MANE Select); coding-DNA position 1116, C replaced by A.
Protein change: p.Cys372Ter; replaces cysteine 372 with a stop codon.
Molecular consequence: nonsense. On other transcripts: intron variant (1).
Genome position (GRCh38, 1-based): chr10:49,611,856, C>A. VCF-style: chr10-49611856-C-A. GRCh37 (hg19) VCF-style: chr10-50819902-C-A.
Other names: c.-69+2657C>A (NM_020984.4); short protein forms C372*.
Identifiers: ClinVar variation 2907396 (VCV002907396.4), dbSNP rs761894527, ClinGen allele CA5496903.
Genomic context (GRCh38, chr10:49,611,856, plus strand): 5'-CCCACACCTGCAGTGGCTGTACGGCGCGCTTGGGCTGGCTGTGATCGGCGCCAGCTCGTG[C>A]ATCGTGCCCGCCTGCCGCTCCTTCGCGCCGCTAGTGGTCTCACTATGCGGCCTCTGTTTT-3'

ClinVar aggregate classification (germline): Conflicting classifications of pathogenicity. Review status: criteria provided, conflicting classifications (1 of 4 stars). 2 submissions from 2 submitters: Pathogenic (1); Uncertain significance (1). Last evaluated 2023-12-26.

Conditions:
Congenital myasthenic syndrome 21. Also called: Myasthenic syndrome, congenital, 21, presynaptic. Identifiers: MedGen C4310654, MONDO:0014983, OMIM 617239.

Allele frequency attached by ClinVar (database versions not stated): TOPMed 0.00001; gnomAD 0.00018; ExAC 0.00020.

Submissions (2):

Revvity Omics, Revvity
Classification: Pathogenic for Congenital myasthenic syndrome 21. Last evaluated: 2023-12-26. Review status: criteria provided, single submitter. Criteria: ACMG Guidelines, 2015. Collection method: clinical testing. Allele origin: germline.

Labcorp Genetics (formerly Invitae), Labcorp
Classification: Uncertain significance. Last evaluated: 2023-06-21. Review status: criteria provided, single submitter. Criteria: Invitae Variant Classification Sherloc (09022015). Collection method: clinical testing. Allele origin: germline.
Comment: In summary, the available evidence is currently insufficient to determine the role of this variant in disease. Therefore, it has been classified as a Variant of Uncertain Significance. This premature translational stop signal has been observed in individual(s) with fetal akinesia deformation sequence (FADS) (PMID: 31059209). It has also been observed to segregate with disease in related individuals. This variant is present in population databases (rs761894527, gnomAD 0.2%). This sequence change creates a premature translational stop signal (p.Cys372*) in the SLC18A3 gene. While this is not anticipated to result in nonsense mediated decay, it is expected to disrupt the last 161 amino acid(s) of the SLC18A3 protein.

Literature cited by the submitters: PubMed 31059209 (cited by Labcorp Genetics (formerly Invitae), Labcorp).